The following is an entry in ClinVar:

NM_004364.5(CEBPA):c.990G>C (p.Gln330His)

Gene: CEBPA (CCAAT enhancer binding protein alpha; minus strand). Cytogenetic location: 19q13.11.
Variant type: single nucleotide variant.
Coding change: c.990G>C on transcript NM_004364.5 (MANE Select); coding-DNA position 990, G replaced by C.
Protein change: p.Gln330His; replaces glutamine 330 with histidine.
Molecular consequence: missense variant.
Genome position (GRCh38, 1-based): chr19:33,301,425, C>G on the plus strand (G>C on the coding strand, the complement: CEBPA is on the minus strand). VCF-style: chr19-33301425-C-G. GRCh37 (hg19) VCF-style: chr19-33792331-C-G.
Other names: c.633G>C, p.Gln211His (NM_001285829.2); c.1095G>C, p.Gln365His (NM_001287424.2); c.948G>C, p.Gln316His (NM_001287435.2); short protein forms Q365H, Q211H, Q316H, Q330H.
Identifiers: ClinVar variation 5034273 (VCV005034273.1).

ClinVar aggregate classification (germline): Uncertain significance (1 of 4 stars; one submission).

Conditions:
Inborn genetic diseases. Identifiers: MedGen C0950123, MeSH D030342.

gnomAD v4.1: 2 of 1,612,294 alleles (0.00012%); highest among the groups gnomAD compares: Non-Finnish European, 0.00017%; no homozygotes.

Submission:

Ambry Genetics
Classification: Uncertain significance for Inborn genetic diseases. Last evaluated: 2026-07-02. Review status: criteria provided, single submitter. Criteria: Ambry Variant Classification Scheme 2023. Collection method: clinical testing. Allele origin: germline.
Comment: The p.Q330H variant (also known as c.990G>C), located in coding exon 1 of the CEBPA gene, results from a G to C substitution at nucleotide position 990. The glutamine at codon 330 is replaced by histidine, an amino acid with highly similar properties. This amino acid position is conserved. In addition, this alteration is predicted to be tolerated by in silico analysis. Based on the available evidence, the clinical significance of this variant remains unclear.